The following is an entry in ClinVar:

ClinVar aggregate classification (germline): Uncertain significance (1 of 4 stars; one submission).

Submission:

GeneDx
Classification: Uncertain significance. Review status: criteria provided, single submitter. Criteria: GeneDx Variant Classification (06012015). Collection method: clinical testing. Allele origin: germline. Affected: yes.
Comment: Missense variants in the TTN gene are considered 'unclassified' if they are not previously reported in the literature and do not have >1% frequency in the population to be considered a polymorphism. Research indicates that truncating mutations in the TTN gene are expected to account for approximately 25% of familial and 18% of sporadic idiopathic DCM; however, truncating variants in the TTN gene have been reported in approximately 3% of reported control alleles. There has been little investigation into non-truncating variants. (Herman D et al. Truncations of titin causing dilated cardiomyopathy. N Eng J Med 366:619-628, 2012) The variant is found in the TTN panel(s).

NM_001267550.2(TTN):c.65126C>T (p.Ala21709Val)

Genes: TTN (titin; minus strand), TTN-AS1 (TTN antisense RNA 1; plus strand). Cytogenetic location: 2q31.2.
Variant type: single nucleotide variant.
Coding change: c.65126C>T on transcript NM_001267550.2 (MANE Select); coding-DNA position 65126, C replaced by T.
Protein change: p.Ala21709Val; replaces alanine 21709 with valine.
Molecular consequence: missense variant.
Genome position (GRCh38, 1-based): chr2:178,584,425, G>A on the plus strand (C>T on the coding strand, the complement: TTN is on the minus strand). VCF-style: chr2-178584425-G-A. GRCh37 (hg19) VCF-style: chr2-179449152-G-A.
Other names: p.A20068V:GCC>GTC; c.60203C>T, p.Ala20068Val (NM_001256850.1); c.37931C>T, p.Ala12644Val (NM_003319.4); c.57422C>T, p.Ala19141Val (NM_133378.4); c.38306C>T, p.Ala12769Val (NM_133432.3); c.38507C>T, p.Ala12836Val (NM_133437.4); short protein forms A20068V, A21709V, A12644V, A12836V, A19141V, A12769V.
Identifiers: ClinVar variation 202792 (VCV000202792.1), dbSNP rs794729479, ClinGen allele CA310304.